The following is an entry in ClinVar:

ClinVar aggregate classification (germline): Uncertain significance (1 of 4 stars; one submission).

Submission:

Laboratorio de Genetica e Diagnostico Molecular, Hospital Israelita Albert Einstein
Classification: Uncertain significance. Last evaluated: 2019-10-21. Review status: criteria provided, single submitter. Criteria: ACMG Guidelines, 2015. Collection method: clinical testing. Allele origin: germline. Affected: yes.
Comment: ACMG classification criteria: PM2

NM_130839.5(UBE3A):c.1801T>A (p.Ser601Thr)

Genes: SNHG14 (small nucleolar RNA host gene 14; plus strand), UBE3A (ubiquitin protein ligase E3A; minus strand). Cytogenetic location: 15q11.2.
Variant type: single nucleotide variant.
Coding change: c.1801T>A on transcript NM_130839.5 (MANE Select); coding-DNA position 1801, T replaced by A.
Protein change: p.Ser601Thr; replaces serine 601 with threonine.
Molecular consequence: missense variant. On other transcripts: non-coding transcript variant (1).
Genome position (GRCh38, 1-based): chr15:25,356,849, A>T on the plus strand (T>A on the coding strand, the complement: UBE3A is on the minus strand). VCF-style: chr15-25356849-A-T. GRCh37 (hg19) VCF-style: chr15-25601996-A-T.
Other names: c.1741T>A, p.Ser581Thr (NM_001374461.1, NM_130838.4, NM_001354506.2 and 17 more transcripts); c.1810T>A, p.Ser604Thr (NM_000462.5); c.1801T>A, p.Ser601Thr (NM_001354505.1, NM_001354538.2, NM_001354545.2); c.1624T>A, p.Ser542Thr (NM_001354546.2); c.550T>A, p.Ser184Thr (NM_001354550.2); c.490T>A, p.Ser164Thr (NM_001354551.2); short protein forms S164T, S184T, S542T, S581T, S601T, S604T.
Identifiers: ClinVar variation 1690713 (VCV001690713.2), dbSNP rs2152701031, ClinGen allele CA391352725.